The following is an entry in ClinVar:

NM_003072.5(SMARCA4):c.490C>G (p.Gln164Glu)

Gene: SMARCA4 (SWI/SNF related BAF chromatin remodeling complex subunit ATPase 4; plus strand). Cytogenetic location: 19p13.2.
Variant type: single nucleotide variant.
Coding change: c.490C>G on transcript NM_003072.5 (MANE Select); coding-DNA position 490, C replaced by G.
Protein change: p.Gln164Glu; replaces glutamine 164 with glutamic acid.
Molecular consequence: missense variant. On other transcripts: non-coding transcript variant (1).
Genome position (GRCh38, 1-based): chr19:10,986,323, C>G. VCF-style: chr19-10986323-C-G. GRCh37 (hg19) VCF-style: chr19-11096999-C-G.
Other names: c.490C>G, p.Gln164Glu (NM_001128844.3, NM_001128845.2, NM_001128846.2 and 6 more transcripts); short protein forms Q164E.
Identifiers: ClinVar variation 1744029 (VCV001744029.5), dbSNP rs2145775805, ClinGen allele CA404056123.

ClinVar aggregate classification (germline): Uncertain significance. Review status: criteria provided, multiple submitters, no conflicts (2 of 4 stars). 2 submissions from 2 submitters: Uncertain significance (2). Last evaluated 2025-11-18.

Conditions:
Hereditary cancer-predisposing syndrome. Also called: Hereditary Cancer Syndrome; Neoplastic Syndromes, Hereditary; Tumor predisposition; Hereditary neoplastic syndrome. Identifiers: Orphanet 140162, MedGen C0027672, MeSH D009386, MONDO:0015356.
Rhabdoid tumor predisposition syndrome 2 (RTPS2). Identifiers: Orphanet 231108, Orphanet 69077, MedGen C2750074, MONDO:0013224, OMIM 613325.

Allele frequency attached by ClinVar (database versions not stated): gnomAD exomes below 0.00001.
gnomAD v4.1: 1 of 1,613,584 alleles (0.000062%); highest among the groups gnomAD compares: Middle Eastern, 0.016%; no homozygotes.

Submissions (2):

Labcorp Genetics (formerly Invitae), Labcorp
Classification: Uncertain significance for Rhabdoid tumor predisposition syndrome 2. Last evaluated: 2025-11-18. Review status: criteria provided, single submitter. Criteria: Invitae Variant Classification Sherloc (09022015). Collection method: clinical testing. Allele origin: germline.
Comment: This sequence change replaces glutamine, which is neutral and polar, with glutamic acid, which is acidic and polar, at codon 164 of the SMARCA4 protein (p.Gln164Glu). This variant is not present in population databases (gnomAD no frequency). This variant has not been reported in the literature in individuals affected with SMARCA4-related conditions. ClinVar contains an entry for this variant (Variation ID: 1744029). Invitae Evidence Modeling of protein sequence and biophysical properties (such as structural, functional, and spatial information, amino acid conservation, physicochemical variation, residue mobility, and thermodynamic stability) indicates that this missense variant is not expected to disrupt SMARCA4 protein function with a negative predictive value of 95%. In summary, the available evidence is currently insufficient to determine the role of this variant in disease. Therefore, it has been classified as a Variant of Uncertain Significance.

Ambry Genetics
Classification: Uncertain significance for Hereditary cancer-predisposing syndrome. Last evaluated: 2021-03-26. Review status: criteria provided, single submitter. Criteria: Ambry Variant Classification Scheme 2023. Collection method: clinical testing. Allele origin: germline.
Comment: The p.Q164E variant (also known as c.490C>G), located in coding exon 3 of the SMARCA4 gene, results from a C to G substitution at nucleotide position 490. The glutamine at codon 164 is replaced by glutamic acid, an amino acid with highly similar properties. This amino acid position is not well conserved in available vertebrate species. In addition, this alteration is predicted to be tolerated by in silico analysis. Missense and in-frame variants in SMARCA4 are known to cause neurodevelopmental disorders; however, such associations with rhabdoid tumor predisposition syndrome including small cell carcinoma of the ovary-hypercalcemic type (SCCOHT) are exceedingly rare (Kosho T et al. Am J Med Genet C Semin Med Genet. 2014 Sep;166C(3):262-75; Jelinic P et al. Nat Genet. 2014 May;46(5):424-6). Based on the supporting evidence, the association of this alteration with Coffin-Siris syndrome is unknown; however, the association of this alteration with rhabdoid tumor predisposition syndrome is unlikely.